The following is an entry in ClinVar:

ClinVar aggregate classification (germline): Benign/Likely benign. Review status: criteria provided, multiple submitters, no conflicts (2 of 4 stars). 7 submissions from 7 submitters: Benign (4); Likely benign (1). 2 of the submissions do not count toward it. Last evaluated 2026-02-01.

Conditions:
3 beta-Hydroxysteroid dehydrogenase deficiency. Also called: ADRENAL HYPERPLASIA, CONGENITAL, DUE TO 3-BETA-HYDROXYSTEROID DEHYDROGENASE 2 DEFICIENCY; Congenital adrenal hyperplasia due to 3-beta-hydroxysteroid dehydrogenase deficiency; 3-BETA-HSD DEFICIENCY; ADRENAL HYPERPLASIA II; 3b-hydroxysteroid dehydrogenase deficiency. Identifiers: Orphanet 90791, MedGen C0342471, MeSH C538236, MONDO:0008727, OMIM 201810. Disease mechanism: loss of function.
HSD3B2-related disorder. Also called: HSD3B2-related condition.

Allele frequency attached by ClinVar (database versions not stated): gnomAD exomes 0.00509 and 0.00215; ExAC 0.00634; gnomAD 0.01873 and 0.01994; ESP Exome Variant Server 0.02053; TOPMed 0.02060; 1000 Genomes Project 0.02236; 1000 Genomes Project 30x 0.02311.
gnomAD v4.1: 6,098 of 1,614,040 alleles (0.38%); highest among the groups gnomAD compares: African/African-American, 6.5%; 175 homozygotes.

Submissions (7):

Labcorp Genetics (formerly Invitae), Labcorp
Classification: Benign. Last evaluated: 2026-02-01. Review status: criteria provided, single submitter. Criteria: Invitae Variant Classification Sherloc (09022015). Collection method: clinical testing. Allele origin: germline.

Blueprint Genetics
Classification: Likely benign. Last evaluated: 2024-11-01. Review status: criteria provided, single submitter. Criteria: ACMG Guidelines, 2015. Collection method: clinical testing. Allele origin: germline.

GeneDx
Classification: Benign. Last evaluated: 2018-11-12. Review status: criteria provided, single submitter. Criteria: GeneDx Variant Classification Process June 2021. Collection method: clinical testing. Allele origin: germline. Affected: yes.

Illumina Laboratory Services, Illumina
Classification: Benign for 3 beta-Hydroxysteroid dehydrogenase deficiency. Last evaluated: 2018-01-12. Review status: criteria provided, single submitter. Criteria: ICSL Variant Classification Criteria 13 December 2019. Collection method: clinical testing. Allele origin: germline.
Comment: This variant was observed in the ICSL laboratory as part of a predisposition screen in an ostensibly healthy population. It had not been previously curated by ICSL or reported in the Human Gene Mutation Database (HGMD: prior to June 1st, 2018), and was therefore a candidate for classification through an automated scoring system. Utilizing variant allele frequency, disease prevalence and penetrance estimates, and inheritance mode, an automated score was calculated to assess if this variant is too frequent to cause the disease. Based on the score and internal cut-off values, a variant classified as benign is not then subjected to further curation. The score for this variant resulted in a classification of benign for this disease.

Breakthrough Genomics
Classification: Benign. Review status: criteria provided, single submitter. Criteria: ACMG Guidelines, 2015. Collection method: not provided. Allele origin: germline. Inheritance: Autosomal recessive inheritance. Affected: yes.

Natera, Inc.
Classification: Benign for 3 beta hydroxysteroid dehydrogenase deficiency. Last evaluated: 2020-09-16. Review status: no assertion criteria provided. Collection method: clinical testing. Allele origin: germline. Not counted in ClinVar's aggregate classification.

PreventionGenetics, part of Exact Sciences
Classification: Benign for HSD3B2-related condition. Last evaluated: 2019-03-27. Review status: no assertion criteria provided. Collection method: clinical testing. Allele origin: germline. Not counted in ClinVar's aggregate classification.
Comment: This variant is classified as benign based on ACMG/AMP sequence variant interpretation guidelines (Richards et al. 2015 PMID: 25741868, with internal and published modifications).

NM_000198.4(HSD3B2):c.777G>A (p.Thr259=)

Gene: HSD3B2 (hydroxy-delta-5-steroid dehydrogenase, 3 beta- and steroid delta-isomerase 2; plus strand). Cytogenetic location: 1p12.
Variant type: single nucleotide variant.
Coding change: c.777G>A on transcript NM_000198.4 (MANE Select); coding-DNA position 777, G replaced by A.
Protein change: p.Thr259=; no amino-acid change (threonine 259 retained).
Molecular consequence: synonymous variant.
Genome position (GRCh38, 1-based): chr1:119,422,278, G>A. VCF-style: chr1-119422278-G-A. GRCh37 (hg19) VCF-style: chr1-119964901-G-A.
Other names: c.777G>A, p.Thr259= (NM_001166120.2).
Identifiers: ClinVar variation 292265 (VCV000292265.22), dbSNP rs33926546, ClinGen allele CA1036038.